The following is an entry in ClinVar:

NM_006180.6(NTRK2):c.607G>T (p.Ala203Ser)

Gene: NTRK2 (neurotrophic receptor tyrosine kinase 2; plus strand). Cytogenetic location: 9q21.33.
Variant type: single nucleotide variant.
Coding change: c.607G>T on transcript NM_006180.6 (MANE Select); coding-DNA position 607, G replaced by T.
Protein change: p.Ala203Ser; replaces alanine 203 with serine.
Molecular consequence: missense variant.
Genome position (GRCh38, 1-based): chr9:84,723,596, G>T. VCF-style: chr9-84723596-G-T. GRCh37 (hg19) VCF-style: chr9-87338511-G-T.
Other names: c.607G>T, p.Ala203Ser (NM_001369534.1, NM_001369537.1, NM_001369538.1 and 18 more transcripts); c.139G>T, p.Ala47Ser (NM_001369535.1, NM_001369536.1, NM_001369550.1 and 2 more transcripts); short protein forms A203S, A47S.
Identifiers: ClinVar variation 1695253 (VCV001695253.35), dbSNP rs117250170, ClinGen allele CA5105544.

ClinVar aggregate classification (germline): Conflicting classifications of pathogenicity. Review status: criteria provided, conflicting classifications (1 of 4 stars). 3 submissions from 3 submitters: Uncertain significance (1); Likely benign (2). Last evaluated 2025-10-06.

gnomAD v4.1: 48 of 1,613,882 alleles (0.003%); highest among the groups gnomAD compares: South Asian, 0.019%; no homozygotes.

Submissions (3):

Labcorp Genetics (formerly Invitae), Labcorp
Classification: Uncertain significance. Last evaluated: 2025-10-06. Review status: criteria provided, single submitter. Criteria: Invitae Variant Classification Sherloc (09022015). Collection method: clinical testing. Allele origin: germline.
Comment: This sequence change replaces alanine, which is neutral and non-polar, with serine, which is neutral and polar, at codon 203 of the NTRK2 protein (p.Ala203Ser). This variant is present in population databases (rs117250170, gnomAD 0.02%). This variant has not been reported in the literature in individuals affected with NTRK2-related conditions. ClinVar contains an entry for this variant (Variation ID: 1695253). Invitae Evidence Modeling of protein sequence and biophysical properties (such as structural, functional, and spatial information, amino acid conservation, physicochemical variation, residue mobility, and thermodynamic stability) indicates that this missense variant is not expected to disrupt NTRK2 protein function with a negative predictive value of 80%. In summary, the available evidence is currently insufficient to determine the role of this variant in disease. Therefore, it has been classified as a Variant of Uncertain Significance.

Blueprint Genetics
Classification: Likely benign. Last evaluated: 2023-06-20. Review status: criteria provided, single submitter. Criteria: ACMG Guidelines, 2015. Collection method: clinical testing. Allele origin: germline.

CeGaT Center for Human Genetics Tuebingen
Classification: Likely benign. Last evaluated: 2022-04-01. Review status: criteria provided, single submitter. Criteria: CeGaT Center For Human Genetics Tuebingen Variant Classification Criteria Version 2. Collection method: clinical testing. Allele origin: germline. Affected: yes. Observed: 1 variant allele.
Comment: NTRK2: BP4, BS2